The following is an entry in ClinVar:

NM_002242.4(KCNJ13):c.53G>A (p.Arg18Gln)

Genes: GIGYF2 (GRB10 interacting GYF protein 2; plus strand), KCNJ13 (potassium inwardly rectifying channel subfamily J member 13; minus strand). Cytogenetic location: 2q37.1.
Variant type: single nucleotide variant.
Coding change: c.53G>A on transcript NM_002242.4 (MANE Select); coding-DNA position 53, G replaced by A.
Protein change: p.Arg18Gln; replaces arginine 18 with glutamine.
Molecular consequence: missense variant. On other transcripts: intron variant (5).
Genome position (GRCh38, 1-based): chr2:232,771,310, C>T on the plus strand (G>A on the coding strand, the complement: KCNJ13 is on the minus strand). VCF-style: chr2-232771310-C-T. GRCh37 (hg19) VCF-style: chr2-233636020-C-T.
Other names: c.53G>A, p.Arg18Gln (NM_001172416.1); c.532+9874C>T (NM_001103146.3, NM_015575.4, NM_001103148.2); c.533-5102C>T (NM_001103147.2); c.-23-165G>A (NM_001172417.1); short protein forms R18Q.
Identifiers: ClinVar variation 842121 (VCV000842121.9), dbSNP rs144268831, ClinGen allele CA2170091.

ClinVar aggregate classification (germline): Conflicting classifications of pathogenicity. Review status: criteria provided, conflicting classifications (1 of 4 stars). 3 submissions from 3 submitters: Uncertain significance (2); Likely benign (1). Last evaluated 2024-04-15.

Allele frequency attached by ClinVar (database versions not stated): ExAC 0.00002; gnomAD 0.00002 and 0.00003; gnomAD exomes 0.00003 and 0.00004; TOPMed 0.00003; ESP Exome Variant Server 0.00008.
gnomAD v4.1: 50 of 1,611,312 alleles (0.0031%); highest among the groups gnomAD compares: South Asian, 0.0099%; no homozygotes.

Submissions (3):

Blueprint Genetics
Classification: Uncertain significance. Last evaluated: 2024-04-15. Review status: criteria provided, single submitter. Criteria: ACMG Guidelines, 2015. Collection method: clinical testing. Allele origin: germline.

Labcorp Genetics (formerly Invitae), Labcorp
Classification: Uncertain significance. Last evaluated: 2024-02-23. Review status: criteria provided, single submitter. Criteria: Invitae Variant Classification Sherloc (09022015). Collection method: clinical testing. Allele origin: germline.
Comment: This sequence change replaces arginine, which is basic and polar, with glutamine, which is neutral and polar, at codon 18 of the KCNJ13 protein (p.Arg18Gln). This variant is present in population databases (rs144268831, gnomAD 0.04%). This variant has not been reported in the literature in individuals affected with KCNJ13-related conditions. ClinVar contains an entry for this variant (Variation ID: 842121). Advanced modeling of protein sequence and biophysical properties (such as structural, functional, and spatial information, amino acid conservation, physicochemical variation, residue mobility, and thermodynamic stability) performed at Invitae indicates that this missense variant is not expected to disrupt KCNJ13 protein function with a negative predictive value of 80%. In summary, the available evidence is currently insufficient to determine the role of this variant in disease. Therefore, it has been classified as a Variant of Uncertain Significance.

Ambry Genetics
Classification: Likely benign. Last evaluated: 2021-08-09. Review status: criteria provided, single submitter. Criteria: Ambry Variant Classification Scheme 2023. Collection method: clinical testing. Allele origin: germline.